The following is an entry in ClinVar:

ClinVar aggregate classification (germline): Uncertain significance (0 of 4 stars; one submission).

Conditions:
FAT4-related disorder. Also called: FAT4-related condition.

Submission:

PreventionGenetics, part of Exact Sciences
Classification: Uncertain significance for FAT4-related condition. Last evaluated: 2024-01-21. Review status: no assertion criteria provided. Collection method: clinical testing. Allele origin: germline.
Comment: The FAT4 c.11920C>G variant is predicted to result in the amino acid substitution p.His3974Asp. To our knowledge, this variant has not been reported in the literature or in a large population database, indicating this variant is rare. At this time, the clinical significance of this variant is uncertain due to the absence of conclusive functional and genetic evidence.

NM_001291303.3(FAT4):c.11920C>G (p.His3974Asp)

Gene: FAT4 (FAT atypical cadherin 4; plus strand). Cytogenetic location: 4q28.1.
Variant type: single nucleotide variant.
Coding change: c.11920C>G on transcript NM_001291303.3 (MANE Select); coding-DNA position 11920, C replaced by G.
Protein change: p.His3974Asp; replaces histidine 3974 with aspartic acid.
Molecular consequence: missense variant.
Genome position (GRCh38, 1-based): chr4:125,468,526, C>G. VCF-style: chr4-125468526-C-G. GRCh37 (hg19) VCF-style: chr4-126389681-C-G.
Other names: c.11920C>G, p.His3974Asp (NM_001291285.3); c.11914C>G, p.His3972Asp (NM_024582.6); short protein forms H3972D, H3974D.
Identifiers: ClinVar variation 3033983 (VCV003033983.2), dbSNP rs776196417, ClinGen allele CA358127236.
Genomic context (GRCh38, chr4:125,468,526, plus strand): 5'-ATTTTCATGAAATTTTATGCCAGTTTGTCAATTTTCCCTCCAACAGGTGTCTTTGGAAAA[C>G]ACTGCGAGTTGAACAGTTATGGATTTGAGGAGTTATCATACATGGAATTTCCAAGCTTGG-3'
Protein context (NP_001278232.1, residues 3964-3984): CHCPFGVFGK[His3974Asp]CELNSYGFEE